The following is an entry in ClinVar:

ClinVar aggregate classification (germline): Uncertain significance. Review status: criteria provided, multiple submitters, no conflicts (2 of 4 stars). 2 submissions from 2 submitters: Uncertain significance (2). Last evaluated 2024-10-31.

Conditions:
Inborn genetic diseases. Identifiers: MedGen C0950123, MeSH D030342.
Chromosome 2q32-q33 deletion syndrome (GLASS). Also called: 2q33.1 deletion syndrome; Glass syndrome. Identifiers: Orphanet 251019, MedGen C2676739, MONDO:0012864, OMIM 612313.

Allele frequency attached by ClinVar (database versions not stated): gnomAD exomes 0.00001.
gnomAD v4.1: 3 of 1,614,190 alleles (0.00019%); highest among the groups gnomAD compares: Non-Finnish European, 0.00025%; no homozygotes.

Submissions (2):

Labcorp Genetics (formerly Invitae), Labcorp
Classification: Uncertain significance for Chromosome 2q32-q33 deletion syndrome. Last evaluated: 2024-10-31. Review status: criteria provided, single submitter. Criteria: Invitae Variant Classification Sherloc (09022015). Collection method: clinical testing. Allele origin: germline.
Comment: This sequence change replaces alanine, which is neutral and non-polar, with threonine, which is neutral and polar, at codon 720 of the SATB2 protein (p.Ala720Thr). This variant is not present in population databases (gnomAD no frequency). This variant has not been reported in the literature in individuals affected with SATB2-related conditions. ClinVar contains an entry for this variant (Variation ID: 1035050). Invitae Evidence Modeling incorporating data from in vitro experimental studies (internal data) indicates that this missense variant is not expected to disrupt SATB2 function with a negative predictive value of 95%. In summary, the available evidence is currently insufficient to determine the role of this variant in disease. Therefore, it has been classified as a Variant of Uncertain Significance.

Ambry Genetics
Classification: Uncertain significance for Inborn genetic diseases. Last evaluated: 2020-01-09. Review status: criteria provided, single submitter. Criteria: Ambry Variant Classification Scheme 2023. Collection method: clinical testing. Allele origin: germline.
Comment: The p.A720T variant (also known as c.2158G>A), located in coding exon 10 of the SATB2 gene, results from a G to A substitution at nucleotide position 2158. The alanine at codon 720 is replaced by threonine, an amino acid with similar properties. This amino acid position is well conserved in available vertebrate species. In addition, this alteration is predicted to be tolerated by in silico analysis. Since supporting evidence is limited at this time, the clinical significance of this alteration remains unclear.

NM_001172509.2(SATB2):c.2158G>A (p.Ala720Thr)

Genes: SATB2 (SATB homeobox 2; minus strand), LOC126806462 (MED14-independent group 3 enhancer GRCh37_chr2:200136608-200137807; plus strand). Cytogenetic location: 2q33.1.
Variant type: single nucleotide variant.
Coding change: c.2158G>A on transcript NM_001172509.2 (MANE Select); coding-DNA position 2158, G replaced by A.
Protein change: p.Ala720Thr; replaces alanine 720 with threonine.
Molecular consequence: missense variant.
Genome position (GRCh38, 1-based): chr2:199,272,255, C>T on the plus strand (G>A on the coding strand, the complement: SATB2 is on the minus strand). VCF-style: chr2-199272255-C-T. GRCh37 (hg19) VCF-style: chr2-200136978-C-T.
Other names: c.2158G>A, p.Ala720Thr (NM_001172517.1, NM_015265.4); short protein forms A720T.
Identifiers: ClinVar variation 1035050 (VCV001035050.11), dbSNP rs531933724, ClinGen allele CA350384951.